The following is an entry in ClinVar:

NM_001103.4(ACTN2):c.1108-247T>C

Gene: ACTN2 (actinin alpha 2; plus strand). Cytogenetic location: 1q43.
Variant type: single nucleotide variant.
Coding change: c.1108-247T>C on transcript NM_001103.4 (MANE Select); 247 bases into the intron before coding-DNA position 1108, T replaced by C.
Molecular consequence: intron variant.
Genome position (GRCh38, 1-based): chr1:236,742,649, T>C. VCF-style: chr1-236742649-T-C. GRCh37 (hg19) VCF-style: chr1-236905949-T-C.
Other names: c.484-247T>C (NM_001278344.2); c.1108-247T>C (NM_001278343.2).
Identifiers: ClinVar variation 678677 (VCV000678677.1), dbSNP rs181146815, ClinGen allele CA39728823.

ClinVar aggregate classification (germline): Likely benign (1 of 4 stars; one submission).

Allele frequency attached by ClinVar (database versions not stated): 1000 Genomes Project 30x 0.00328; 1000 Genomes Project 0.00339; TOPMed 0.00372; gnomAD 0.00469 and 0.00478.
gnomAD v4.1: 703 of 152,316 alleles (0.46%); highest among the groups gnomAD compares: Admixed American, 2.2%; 8 homozygotes.

Submission:

GeneDx
Classification: Likely benign. Last evaluated: 2018-06-14. Review status: criteria provided, single submitter. Criteria: GeneDx Variant Classification (06012015). Collection method: clinical testing. Allele origin: germline. Affected: yes.
Comment: This variant is considered likely benign or benign based on one or more of the following criteria: it is a conservative change, it occurs at a poorly conserved position in the protein, it is predicted to be benign by multiple in silico algorithms, and/or has population frequency not consistent with disease.